The following is an entry in ClinVar:

NM_003119.4(SPG7):c.758+322C>T

Gene: SPG7 (SPG7 matrix AAA peptidase subunit, paraplegin; plus strand). Cytogenetic location: 16q24.3.
Variant type: single nucleotide variant.
Coding change: c.758+322C>T on transcript NM_003119.4 (MANE Select); 322 bases into the intron after coding-DNA position 758, C replaced by T.
Molecular consequence: intron variant.
Genome position (GRCh38, 1-based): chr16:89,526,790, C>T. VCF-style: chr16-89526790-C-T. GRCh37 (hg19) VCF-style: chr16-89593198-C-T.
Other names: c.758+322C>T (NM_001363850.1, NM_199367.3).
Identifiers: ClinVar variation 671136 (VCV000671136.1), dbSNP rs34607811, ClinGen allele CA14290862.

ClinVar aggregate classification (germline): Benign (1 of 4 stars; one submission).

Allele frequency attached by ClinVar (database versions not stated): 1000 Genomes Project 30x 0.11446; 1000 Genomes Project 0.12819; gnomAD 0.13874 and 0.13953; gnomAD exomes 0.15651.

Submission:

GeneDx
Classification: Benign. Last evaluated: 2018-06-14. Review status: criteria provided, single submitter. Criteria: GeneDx Variant Classification (06012015). Collection method: clinical testing. Allele origin: germline. Affected: yes.
Comment: This variant is considered likely benign or benign based on one or more of the following criteria: it is a conservative change, it occurs at a poorly conserved position in the protein, it is predicted to be benign by multiple in silico algorithms, and/or has population frequency not consistent with disease.